The following is an entry in ClinVar:

ClinVar aggregate classification (germline): Uncertain significance (1 of 4 stars; one submission).

gnomAD v4.1: 50 of 1,614,072 alleles (0.0031%); highest among the groups gnomAD compares: Non-Finnish European, 0.0042%; no homozygotes.

Submission:

Labcorp Genetics (formerly Invitae), Labcorp
Classification: Uncertain significance. Last evaluated: 2025-09-12. Review status: criteria provided, single submitter. Criteria: Invitae Variant Classification Sherloc (09022015). Collection method: clinical testing. Allele origin: germline.
Comment: This sequence change replaces glutamine, which is neutral and polar, with histidine, which is basic and polar, at codon 174 of the TWNK protein (p.Gln174His). This variant is present in population databases (rs767589437, gnomAD 0.0009%). This variant has not been reported in the literature in individuals affected with TWNK-related conditions. Invitae Evidence Modeling of protein sequence and biophysical properties (such as structural, functional, and spatial information, amino acid conservation, physicochemical variation, residue mobility, and thermodynamic stability) has been performed for this missense variant. However, the output from this modeling did not meet the statistical confidence thresholds required to predict the impact of this variant on TWNK protein function. In summary, the available evidence is currently insufficient to determine the role of this variant in disease. Therefore, it has been classified as a Variant of Uncertain Significance.

NM_021830.5(TWNK):c.522G>C (p.Gln174His)

Gene: TWNK (twinkle mtDNA helicase; plus strand). Cytogenetic location: 10q24.31.
Variant type: single nucleotide variant.
Coding change: c.522G>C on transcript NM_021830.5 (MANE Select); coding-DNA position 522, G replaced by C.
Protein change: p.Gln174His; replaces glutamine 174 with histidine.
Molecular consequence: missense variant. On other transcripts: non-coding transcript variant (4), intron variant (3).
Genome position (GRCh38, 1-based): chr10:100,988,732, G>C. VCF-style: chr10-100988732-G-C. GRCh37 (hg19) VCF-style: chr10-102748489-G-C.
Other names: c.522G>C, p.Gln174His (NM_001163812.2); c.-119-912G>C (NM_001163814.2, NM_001163813.2); c.-57-974G>C (NM_001368275.1); short protein forms Q174H.
Identifiers: ClinVar variation 4700126 (VCV004700126.1).
Genomic context (GRCh38, chr10:100,988,732, plus strand): 5'-CCGGAGGATCTGGAACCGAGCAATACCTCTCTGGGAGCTGCCTGATCAGGAGGAGGTTCA[G>C]CTGGCTGATACAATGTTTGGCCTTACCAAGGTTACAGATGACACACTCAAGCGTTTCAGT-3'
Protein context (NP_068602.2, residues 164-184): LWELPDQEEV[Gln174His]LADTMFGLTK